The following is an entry in ClinVar:

ClinVar aggregate classification (germline): Uncertain significance (1 of 4 stars; one submission).

Allele frequency attached by ClinVar (database versions not stated): TOPMed 0.00001; ExAC 0.00002.
gnomAD v4.1: 4 of 1,614,006 alleles (0.00025%); highest among the groups gnomAD compares: African/African-American, 0.0027%; no homozygotes.

Submission:

Labcorp Genetics (formerly Invitae), Labcorp
Classification: Uncertain significance. Last evaluated: 2023-04-07. Review status: criteria provided, single submitter. Criteria: Invitae Variant Classification Sherloc (09022015). Collection method: clinical testing. Allele origin: germline.
Comment: This sequence change replaces arginine, which is basic and polar, with histidine, which is basic and polar, at codon 23 of the ANGPT1 protein (p.Arg23His). In summary, the available evidence is currently insufficient to determine the role of this variant in disease. Therefore, it has been classified as a Variant of Uncertain Significance. An algorithm developed to predict the effect of missense changes on protein structure and function (PolyPhen-2) suggests that this variant is likely to be tolerated. This variant is present in population databases (rs758677127, gnomAD 0.002%). This variant has not been reported in the literature in individuals affected with ANGPT1-related conditions.

NM_001146.5(ANGPT1):c.68G>A (p.Arg23His)

Gene: ANGPT1 (angiopoietin 1; minus strand). Cytogenetic location: 8q23.1.
Variant type: single nucleotide variant.
Coding change: c.68G>A on transcript NM_001146.5 (MANE Select); coding-DNA position 68, G replaced by A.
Protein change: p.Arg23His; replaces arginine 23 with histidine.
Molecular consequence: missense variant.
Genome position (GRCh38, 1-based): chr8:107,497,491, C>T on the plus strand (G>A on the coding strand, the complement: ANGPT1 is on the minus strand). VCF-style: chr8-107497491-C-T. GRCh37 (hg19) VCF-style: chr8-108509719-C-T.
Other names: c.68G>A, p.Arg23His (NM_001199859.3); short protein forms R23H.
Identifiers: ClinVar variation 2969510 (VCV002969510.3), dbSNP rs758677127, ClinGen allele CA4841451.